The following is an entry in ClinVar:

ClinVar aggregate classification (germline): Conflicting classifications of pathogenicity. Review status: criteria provided, conflicting classifications (1 of 4 stars). 5 submissions from 5 submitters: Uncertain significance (3); Likely benign (2). Last evaluated 2025-12-17.

Conditions:
LAMA2-related muscular dystrophy (LAMA2-RD). Also called: Laminin alpha 2-related dystrophy. Identifiers: MedGen C5679788, MONDO:0100228.
Inborn genetic diseases. Identifiers: MedGen C0950123, MeSH D030342.

Allele frequency attached by ClinVar (database versions not stated): gnomAD exomes 0.00002 and 0.00006; ExAC 0.00007; ESP Exome Variant Server 0.00015; 1000 Genomes Project 30x 0.00016; TOPMed 0.00030; gnomAD 0.00033 and 0.00036.
gnomAD v4.1: 83 of 1,613,564 alleles (0.0051%); highest among the groups gnomAD compares: African/African-American, 0.11%; no homozygotes.

Submissions (5):

Labcorp Genetics (formerly Invitae), Labcorp
Classification: Likely benign for LAMA2-related muscular dystrophy. Last evaluated: 2025-12-17. Review status: criteria provided, single submitter. Criteria: Invitae Variant Classification Sherloc (09022015). Collection method: clinical testing. Allele origin: germline.

Ambry Genetics
Classification: Uncertain significance for Inborn genetic diseases. Last evaluated: 2025-07-15. Review status: criteria provided, single submitter. Criteria: Ambry Variant Classification Scheme 2023. Collection method: clinical testing. Allele origin: germline.

Women's Health and Genetics/Laboratory Corporation of America, LabCorp
Classification: Uncertain significance. Last evaluated: 2025-04-04. Review status: criteria provided, single submitter. Criteria: LabCorp Variant Classification Summary - May 2015. Collection method: clinical testing. Allele origin: germline.
Comment: Variant summary: LAMA2 c.8977A>G (p.Ile2993Val) results in a conservative amino acid change in the encoded protein sequence. Four of four in-silico tools predict a benign effect of the variant on protein function. The variant allele was found at a frequency of 5.1e-05 in 1613564 control chromosomes (gnomAD). This frequency is not significantly higher than estimated for a pathogenic variant in LAMA2 causing Merosin deficient congenital muscular dystrophy (5.1e-05 vs 0.0035), allowing no conclusion about variant significance. To our knowledge, no occurrence of c.8977A>G in individuals affected with Merosin deficient congenital muscular dystrophy and no experimental evidence demonstrating its impact on protein function have been reported. ClinVar contains an entry for this variant (Variation ID: 543844). Based on the evidence outlined above, the variant was classified as uncertain significance.

Revvity Omics, Revvity
Classification: Uncertain significance. Last evaluated: 2019-05-03. Review status: criteria provided, single submitter. Criteria: ACMG Guidelines, 2015. Collection method: clinical testing. Allele origin: germline.

Breakthrough Genomics
Classification: Likely benign. Review status: criteria provided, single submitter. Criteria: ACMG Guidelines, 2015. Collection method: not provided. Allele origin: germline. Inheritance: Autosomal recessive inheritance. Affected: yes.

NM_000426.4(LAMA2):c.8977A>G (p.Ile2993Val)

Gene: LAMA2 (laminin subunit alpha 2; plus strand). Cytogenetic location: 6q22.33.
Variant type: single nucleotide variant.
Coding change: c.8977A>G on transcript NM_000426.4 (MANE Select); coding-DNA position 8977, A replaced by G.
Protein change: p.Ile2993Val; replaces isoleucine 2993 with valine.
Molecular consequence: missense variant.
Genome position (GRCh38, 1-based): chr6:129,512,482, A>G. VCF-style: chr6-129512482-A-G. GRCh37 (hg19) VCF-style: chr6-129833627-A-G.
Other names: c.8965A>G, p.Ile2989Val (NM_001079823.2); short protein forms I2993V, I2989V.
Identifiers: ClinVar variation 543844 (VCV000543844.18), dbSNP rs145331792, ClinGen allele CA3994985.